The following is an entry in ClinVar:

NM_000038.6(APC):c.5949A>C (p.Glu1983Asp)

Gene: APC (APC regulator of Wnt signaling pathway; plus strand). Cytogenetic location: 5q22.2.
Variant type: single nucleotide variant.
Coding change: c.5949A>C on transcript NM_000038.6 (MANE Select); coding-DNA position 5949, A replaced by C.
Protein change: p.Glu1983Asp; replaces glutamic acid 1983 with aspartic acid.
Molecular consequence: missense variant.
Genome position (GRCh38, 1-based): chr5:112,841,543, A>C. VCF-style: chr5-112841543-A-C. GRCh37 (hg19) VCF-style: chr5-112177240-A-C.
Other names: c.5949A>C, p.Glu1983Asp (NM_001127510.3, NM_001354895.2, NM_001407450.1); c.5895A>C, p.Glu1965Asp (NM_001127511.3); c.6003A>C, p.Glu2001Asp (NM_001354896.2, NM_001407447.1, NM_001407448.1 and 1 more transcripts); c.5979A>C, p.Glu1993Asp (NM_001354897.2); c.5874A>C, p.Glu1958Asp (NM_001354898.2); c.5865A>C, p.Glu1955Asp (NM_001354899.2); c.5826A>C, p.Glu1942Asp (NM_001354900.2); c.5772A>C, p.Glu1924Asp (NM_001354901.2, NM_001407453.1); and 11 more; short protein forms E1857D, E1965D, E1993D, E1823D, E1854D, E1882D, E1942D, E1955D.
Identifiers: ClinVar variation 1750653 (VCV001750653.2), dbSNP rs2149953167, ClinGen allele CA16034353.

ClinVar aggregate classification (germline): Uncertain significance (1 of 4 stars; one submission).

Conditions:
Hereditary cancer-predisposing syndrome. Also called: Hereditary Cancer Syndrome; Hereditary neoplastic syndrome; Neoplastic Syndromes, Hereditary; Tumor predisposition. Identifiers: Orphanet 140162, MedGen C0027672, MeSH D009386, MONDO:0015356.

Submission:

Ambry Genetics
Classification: Uncertain significance for Hereditary cancer-predisposing syndrome. Last evaluated: 2022-01-13. Review status: criteria provided, single submitter. Criteria: Ambry Variant Classification Scheme 2023. Collection method: clinical testing. Allele origin: germline.
Comment: The p.E1983D variant (also known as c.5949A>C), located in coding exon 15 of the APC gene, results from an A to C substitution at nucleotide position 5949. The glutamic acid at codon 1983 is replaced by aspartic acid, an amino acid with highly similar properties. This amino acid position is conserved. In addition, in silico predictors for this gene do not accurately predict pathogenicity. Since supporting evidence is limited at this time, the clinical significance of this alteration remains unclear.